The following is an entry in ClinVar:

NM_000493.4(COL10A1):c.1623T>G (p.Ser541Arg)

Genes: COL10A1 (collagen type X alpha 1 chain; minus strand), NT5DC1 (5'-nucleotidase domain containing 1; plus strand). Cytogenetic location: 6q22.1.
Variant type: single nucleotide variant.
Coding change: c.1623T>G on transcript NM_000493.4 (MANE Select); coding-DNA position 1623, T replaced by G.
Protein change: p.Ser541Arg; replaces serine 541 with arginine.
Molecular consequence: missense variant. On other transcripts: intron variant (1).
Genome position (GRCh38, 1-based): chr6:116,120,493, A>C on the plus strand (T>G on the coding strand, the complement: COL10A1 is on the minus strand). VCF-style: chr6-116120493-A-C. GRCh37 (hg19) VCF-style: chr6-116441656-A-C.
Other names: c.1623T>G, p.Ser541Arg (NM_001424106.1, NM_001424107.1); c.529+2548A>C (NM_152729.3); short protein forms S541R.
Identifiers: ClinVar variation 2844218 (VCV002844218.3), dbSNP rs1779081335, ClinGen allele CA365387429.

ClinVar aggregate classification (germline): Uncertain significance (1 of 4 stars; one submission).

Submission:

Labcorp Genetics (formerly Invitae), Labcorp
Classification: Uncertain significance. Last evaluated: 2023-03-08. Review status: criteria provided, single submitter. Criteria: Invitae Variant Classification Sherloc (09022015). Collection method: clinical testing. Allele origin: germline.
Comment: This sequence change replaces serine, which is neutral and polar, with arginine, which is basic and polar, at codon 541 of the COL10A1 protein (p.Ser541Arg). This variant is not present in population databases (gnomAD no frequency). This variant has not been reported in the literature in individuals affected with COL10A1-related conditions. Advanced modeling of protein sequence and biophysical properties (such as structural, functional, and spatial information, amino acid conservation, physicochemical variation, residue mobility, and thermodynamic stability) has been performed at Invitae for this missense variant, however the output from this modeling did not meet the statistical confidence thresholds required to predict the impact of this variant on COL10A1 protein function. In summary, the available evidence is currently insufficient to determine the role of this variant in disease. Therefore, it has been classified as a Variant of Uncertain Significance.